The following is an entry in ClinVar:

ClinVar aggregate classification (germline): Uncertain significance. Review status: criteria provided, multiple submitters, no conflicts (2 of 4 stars). 6 submissions from 6 submitters: Uncertain significance (6). Last evaluated 2026-06-11.

Conditions:
Severe combined immunodeficiency due to DNA-PKcs deficiency. Also called: IMMUNODEFICIENCY 26 WITH NEUROLOGIC ABNORMALITIES; Immunodeficiency 26 with or without neurologic abnormalities. Identifiers: Orphanet 317425, MedGen C4014833, MONDO:0014423, OMIM 615966.

Allele frequency attached by ClinVar (database versions not stated): gnomAD 0.00001; TOPMed 0.00001; ESP Exome Variant Server 0.00008.
gnomAD v4.1: 48 of 1,613,426 alleles (0.003%); highest among the groups gnomAD compares: Middle Eastern, 0.2%; 1 homozygote.

Submissions (6):

GeneDx
Classification: Uncertain significance. Last evaluated: 2026-06-11. Review status: criteria provided, single submitter. Criteria: GeneDx Variant Classification Process June 2021. Collection method: clinical testing. Allele origin: germline.
Comment: In silico analysis supports that this missense variant has a deleterious effect on protein structure/function; Has not been previously published as pathogenic or benign to our knowledge

Blueprint Genetics
Classification: Uncertain significance. Last evaluated: 2024-03-04. Review status: criteria provided, single submitter. Criteria: ACMG Guidelines, 2015. Collection method: clinical testing. Allele origin: germline.

Ambry Genetics
Classification: Uncertain significance. Last evaluated: 2023-03-02. Review status: criteria provided, single submitter. Criteria: Ambry Variant Classification Scheme 2023. Collection method: clinical testing. Allele origin: germline.
Comment: The p.P764L variant (also known as c.2291C>T), located in coding exon 21 of the PRKDC gene, results from a C to T substitution at nucleotide position 2291. The proline at codon 764 is replaced by leucine, an amino acid with similar properties. This amino acid position is conserved. In addition, this alteration is predicted to be deleterious by in silico analysis. Since supporting evidence is limited at this time, the clinical significance of this alteration remains unclear.

Labcorp Genetics (formerly Invitae), Labcorp
Classification: Uncertain significance for Severe combined immunodeficiency due to DNA-PKcs deficiency. Last evaluated: 2022-09-21. Review status: criteria provided, single submitter. Criteria: Invitae Variant Classification Sherloc (09022015). Collection method: clinical testing. Allele origin: germline.
Comment: This sequence change replaces proline, which is neutral and non-polar, with leucine, which is neutral and non-polar, at codon 764 of the PRKDC protein (p.Pro764Leu). This variant is present in population databases (rs374576070, gnomAD 0.007%). This variant has not been reported in the literature in individuals affected with PRKDC-related conditions. ClinVar contains an entry for this variant (Variation ID: 646271). In summary, the available evidence is currently insufficient to determine the role of this variant in disease. Therefore, it has been classified as a Variant of Uncertain Significance.

Revvity Omics, Revvity
Classification: Uncertain significance for Severe combined immunodeficiency due to DNA-PKcs deficiency. Last evaluated: 2022-08-30. Review status: criteria provided, single submitter. Criteria: ACMG Guidelines, 2015. Collection method: clinical testing. Allele origin: germline.

Breakthrough Genomics
Classification: Uncertain significance. Review status: criteria provided, single submitter. Criteria: ACMG Guidelines, 2015. Collection method: not provided. Allele origin: germline. Inheritance: Autosomal recessive inheritance. Affected: yes.

NM_006904.7(PRKDC):c.2291C>T (p.Pro764Leu)

Gene: PRKDC (protein kinase, DNA-activated, catalytic subunit; minus strand). Cytogenetic location: 8q11.21.
Variant type: single nucleotide variant.
Coding change: c.2291C>T on transcript NM_006904.7 (MANE Select); coding-DNA position 2291, C replaced by T.
Protein change: p.Pro764Leu; replaces proline 764 with leucine.
Molecular consequence: missense variant.
Genome position (GRCh38, 1-based): chr8:47,927,322, G>A on the plus strand (C>T on the coding strand, the complement: PRKDC is on the minus strand). VCF-style: chr8-47927322-G-A. GRCh37 (hg19) VCF-style: chr8-48839882-G-A.
Other names: c.2291C>T, p.Pro764Leu (NM_001081640.2); short protein forms P764L.
Identifiers: ClinVar variation 646271 (VCV000646271.13), dbSNP rs374576070, ClinGen allele CA4741470.
Genomic context (GRCh38, chr8:47,927,322, plus strand): 5'-ACATGTCTGTCAATATAAATTGACCATTCTTCTAGAGCATTCAGGCCTACTTCTGCCAAG[G>A]GGGTATAGCTCAGGCCCAGTTTGAAAGCCATCTGTATGTTAATACAAACAAGTTAAACTG-3'
Protein context (NP_008835.5, residues 754-774): MAFKLGLSYT[Pro764Leu]LAEVGLNALE